The following is an entry in ClinVar:

ClinVar aggregate classification (germline): Pathogenic (1 of 4 stars; one submission).

Conditions:
Osteogenesis imperfecta with normal sclerae, dominant form (OI4). Also called: OSTEOGENESIS IMPERFECTA WITH NORMAL SCLERAE; Osteogenesis Imperfecta Type IV; Common Variable Osteogenesis Imperfecta with Normal Sclerae; Osteogenesis imperfecta type 4; OSTEOGENESIS IMPERFECTA, TYPE IV, WITH DENTINOGENESIS IMPERFECTA. Identifiers: Orphanet 216820, Orphanet 666, MedGen C0268363, MONDO:0008148, OMIM 166220.

Submission:

3billion
Classification: Pathogenic for Osteogenesis imperfecta with normal sclerae, dominant form. Review status: criteria provided, single submitter. Criteria: ACMG Guidelines, 2015. Collection method: clinical testing. Allele origin: unknown. Affected: yes. Observed: 1 heterozygote.
Comment: The variant is not observed in the gnomAD v2.1.1 dataset. The variant is predicted to result in a loss or disruption of normal protein function through nonsense-mediated decay (NMD) or protein truncation. Multiple pathogenic variants are reported downstream of the variant. The variant has been reported to be associated with COL1A1 related disorder (PMID: 29807018). Therefore, this variant is classified as Pathogenic according to the recommendation of ACMG/AMP guideline.

Literature cited by the submitters: PubMed 29807018.

NM_000088.4(COL1A1):c.1631del (p.Pro544fs)

Gene: COL1A1 (collagen type I alpha 1 chain; minus strand). Cytogenetic location: 17q21.33.
Variant type: Deletion.
Coding change: c.1631del on transcript NM_000088.4 (MANE Select); coding-DNA position 1631, one base deleted (C; older notation c.1631delC).
Protein change: p.Pro544fs; shifts the reading frame from proline 544.
Molecular consequence: frameshift variant.
Genome position (GRCh38, 1-based): chr17:50,194,167, G deleted on the plus strand (C on the coding strand, the reverse complement: COL1A1 is on the minus strand); the first of 3 consecutive G bases (chr17:50,194,167-50,194,169); deleting any one gives the same sequence. VCF-style (leftmost placement, unchanged base first): chr17-50194166-AG-A. GRCh37 (hg19) VCF-style: chr17-48271527-AG-A.
Other names: short protein forms P544fs.
Identifiers: ClinVar variation 2572450 (VCV002572450.1), dbSNP rs2509217288, ClinGen allele CA2580612687.